The following is an entry in ClinVar:

NM_025137.4(SPG11):c.6857G>A (p.Arg2286Gln)

Gene: SPG11 (SPG11 vesicle trafficking associated, spatacsin; minus strand). Cytogenetic location: 15q21.1.
Variant type: single nucleotide variant.
Coding change: c.6857G>A on transcript NM_025137.4 (MANE Select); coding-DNA position 6857, G replaced by A.
Protein change: p.Arg2286Gln; replaces arginine 2286 with glutamine.
Molecular consequence: missense variant.
Genome position (GRCh38, 1-based): chr15:44,565,996, C>T on the plus strand (G>A on the coding strand, the complement: SPG11 is on the minus strand). VCF-style: chr15-44565996-C-T. GRCh37 (hg19) VCF-style: chr15-44858194-C-T.
Other names: c.6518G>A, p.Arg2173Gln (NM_001160227.2); short protein forms R2173Q, R2286Q.
Identifiers: ClinVar variation 638909 (VCV000638909.10), dbSNP rs370773328, ClinGen allele CA7533967.

ClinVar aggregate classification (germline): Uncertain significance. Review status: criteria provided, multiple submitters, no conflicts (2 of 4 stars). 6 submissions from 4 submitters: Uncertain significance (6). Last evaluated 2025-08-04.

Conditions:
Charcot-Marie-Tooth disease axonal type 2X. Also called: CHARCOT-MARIE-TOOTH DISEASE, AXONAL, AUTOSOMAL RECESSIVE, TYPE 2X; CHARCOT-MARIE-TOOTH NEUROPATHY, TYPE 2X. Identifiers: Orphanet 466775, MedGen C5569024, MONDO:0014726, OMIM 616668.
Hereditary spastic paraplegia. Also called: Familial spastic paraparesis. Identifiers: Orphanet 685, MedGen C0037773, MONDO:0019064. Disease mechanism: loss of function.
Amyotrophic lateral sclerosis type 5 (ALS5). Also called: AMYOTROPHIC LATERAL SCLEROSIS 5, JUVENILE. Identifiers: Orphanet 300605, MedGen C1865864, MONDO:0011196, OMIM 602099.
Inborn genetic diseases. Identifiers: MedGen C0950123, MeSH D030342.
Hereditary spastic paraplegia 11. Also called: Nakamura Osame syndrome; Autosomal recessive hereditary spastic paraplegia, mental impairment, and thin corpus callosum; SPASTIC PARAPLEGIA, AUTOSOMAL RECESSIVE, COMPLICATED, WITH THIN CORPUS CALLOSUM; SPASTIC PARAPLEGIA, AUTOSOMAL RECESSIVE, WITH MENTAL IMPAIRMENT AND THIN CORPUS CALLOSUM; Spastic Paraplegia 11; Spastic paraplegia, mental retardation and thin corpus callosum. Identifiers: Orphanet 2822, MedGen C1858479, MONDO:0011445, OMIM 604360.

Allele frequency attached by ClinVar (database versions not stated): TOPMed 0.00001; ExAC 0.00002; gnomAD 0.00003; ESP Exome Variant Server 0.00008.
gnomAD v4.1: 59 of 1,613,552 alleles (0.0037%); highest among the groups gnomAD compares: South Asian, 0.013%; no homozygotes.

Submissions (6):

Labcorp Genetics (formerly Invitae), Labcorp
Classification: Uncertain significance for Hereditary spastic paraplegia 11. Last evaluated: 2025-08-04. Review status: criteria provided, single submitter. Criteria: Invitae Variant Classification Sherloc (09022015). Collection method: clinical testing. Allele origin: germline.
Comment: This sequence change replaces arginine, which is basic and polar, with glutamine, which is neutral and polar, at codon 2286 of the SPG11 protein (p.Arg2286Gln). This variant is present in population databases (rs370773328, gnomAD 0.006%). This variant has not been reported in the literature in individuals affected with SPG11-related conditions. ClinVar contains an entry for this variant (Variation ID: 638909). Invitae Evidence Modeling of protein sequence and biophysical properties (such as structural, functional, and spatial information, amino acid conservation, physicochemical variation, residue mobility, and thermodynamic stability) has been performed for this missense variant. However, the output from this modeling did not meet the statistical confidence thresholds required to predict the impact of this variant on SPG11 protein function. In summary, the available evidence is currently insufficient to determine the role of this variant in disease. Therefore, it has been classified as a Variant of Uncertain Significance.

Genome Diagnostics Laboratory, The Hospital for Sick Children
Classification: Uncertain significance for Hereditary spastic paraplegia. Last evaluated: 2021-12-20. Review status: criteria provided, single submitter. Criteria: ACMG Guidelines, 2015. Collection method: clinical testing. Allele origin: germline. Affected: yes.

Ambry Genetics
Classification: Uncertain significance for Inborn genetic diseases. Last evaluated: 2021-12-14. Review status: criteria provided, single submitter. Criteria: Ambry Variant Classification Scheme 2023. Collection method: clinical testing. Allele origin: germline.
Comment: The p.R2286Q variant (also known as c.6857G>A), located in coding exon 38 of the SPG11 gene, results from a G to A substitution at nucleotide position 6857. The arginine at codon 2286 is replaced by glutamine, an amino acid with highly similar properties. This amino acid position is conserved. In addition, the in silico prediction for this alteration is inconclusive. Since supporting evidence is limited at this time, the clinical significance of this alteration remains unclear.

Genome-Nilou Lab
Classification: Uncertain significance for Amyotrophic lateral sclerosis type 5. Review status: criteria provided, single submitter. Criteria: ACMG Guidelines, 2015. Collection method: clinical testing. Allele origin: germline.

Genome-Nilou Lab
Classification: Uncertain significance for Charcot-Marie-Tooth disease axonal type 2X. Review status: criteria provided, single submitter. Criteria: ACMG Guidelines, 2015. Collection method: clinical testing. Allele origin: germline.

Genome-Nilou Lab
Classification: Uncertain significance for Hereditary spastic paraplegia 11. Review status: criteria provided, single submitter. Criteria: ACMG Guidelines, 2015. Collection method: clinical testing. Allele origin: germline.